The following is an entry in ClinVar:

ClinVar aggregate classification (germline): Uncertain significance (1 of 4 stars; one submission).

Conditions:
Developmental and epileptic encephalopathy 94 (DEE94). Also called: Epileptic encephalopathy, childhood-onset; CHD2-Related Neurodevelopmental Disorders. Identifiers: Orphanet 1942, Orphanet 2382, MedGen C3809278, MONDO:0014150, OMIM 615369.

Allele frequency attached by ClinVar (database versions not stated): gnomAD exomes below 0.00001 and 0.00001; gnomAD 0.00001; TOPMed 0.00001.
gnomAD v4.1: 8 of 1,600,902 alleles (0.0005%); highest among the groups gnomAD compares: African/African-American, 0.0014%; no homozygotes.

Submission:

Labcorp Genetics (formerly Invitae), Labcorp
Classification: Uncertain significance for Developmental and epileptic encephalopathy 94. Last evaluated: 2024-02-23. Review status: criteria provided, single submitter. Criteria: Invitae Variant Classification Sherloc (09022015). Collection method: clinical testing. Allele origin: germline.
Comment: This sequence change falls in intron 18 of the CHD2 gene. It does not directly change the encoded amino acid sequence of the CHD2 protein. It affects a nucleotide within the consensus splice site. This variant is present in population databases (no rsID available, gnomAD 0.0009%). This variant has not been reported in the literature in individuals affected with CHD2-related conditions. ClinVar contains an entry for this variant (Variation ID: 657306). Variants that disrupt the consensus splice site are a relatively common cause of aberrant splicing (PMID: 17576681, 9536098). Algorithms developed to predict the effect of sequence changes on RNA splicing suggest that this variant is not likely to affect RNA splicing. In summary, the available evidence is currently insufficient to determine the role of this variant in disease. Therefore, it has been classified as a Variant of Uncertain Significance.

Literature cited by the submitters: PubMed 17576681; PubMed 9536098.

NM_001271.4(CHD2):c.2352+4G>C

Gene: CHD2 (chromodomain helicase DNA binding protein 2; plus strand). Cytogenetic location: 15q26.1.
Variant type: single nucleotide variant.
Coding change: c.2352+4G>C on transcript NM_001271.4 (MANE Select); 4 bases into the intron after coding-DNA position 2352, G replaced by C.
Molecular consequence: intron variant.
Genome position (GRCh38, 1-based): chr15:92,971,931, G>C. VCF-style: chr15-92971931-G-C. GRCh37 (hg19) VCF-style: chr15-93515161-G-C.
Identifiers: ClinVar variation 657306 (VCV000657306.11), dbSNP rs1173333743, ClinGen allele CA619862805.
Genomic context (GRCh38, chr15:92,971,931, plus strand): 5'-TATCTGATTAAACCCCCTGAAGAAAATGAAAGGGAAAATGGACAGGAGATTCTTCTGGTA[G>C]GTAGTTCCTCATAATTACTTTCTCAAAAAAAACGCTTAGTTTCTCTAGGTGCTTTTCATC-3'